The following is an entry in ClinVar:

ClinVar aggregate classification (germline): Likely benign (1 of 4 stars; one submission).

Allele frequency attached by ClinVar (database versions not stated): gnomAD 0.00263; TOPMed 0.00268; 1000 Genomes Project 0.00280; ESP Exome Variant Server 0.00300; 1000 Genomes Project 30x 0.00312; ExAC 0.00314; gnomAD exomes 0.00411.
gnomAD v4.1: 6,452 of 1,613,602 alleles (0.4%); highest among the groups gnomAD compares: Middle Eastern, 0.91%; 33 homozygotes.

Submission:

CeGaT Center for Human Genetics Tuebingen
Classification: Likely benign. Last evaluated: 2022-10-01. Review status: criteria provided, single submitter. Criteria: CeGaT Center For Human Genetics Tuebingen Variant Classification Criteria Version 2. Collection method: clinical testing. Allele origin: germline. Affected: yes. Observed: 1 variant allele.
Comment: PAK4: BP4, BP7

NM_005884.5(PAK4):c.1423C>T (p.Leu475=)

Gene: PAK4 (p21 (RAC1) activated kinase 4; plus strand). Cytogenetic location: 19q13.2.
Variant type: single nucleotide variant.
Coding change: c.1423C>T on transcript NM_005884.5 (MANE Select); coding-DNA position 1423, C replaced by T.
Protein change: p.Leu475=; no amino-acid change (leucine 475 retained).
Molecular consequence: synonymous variant.
Genome position (GRCh38, 1-based): chr19:39,176,653, C>T. VCF-style: chr19-39176653-C-T. GRCh37 (hg19) VCF-style: chr19-39667293-C-T.
Other names: c.1423C>T, p.Leu475= (NM_001014831.3, NM_001014832.2, NM_001394501.1); c.964C>T, p.Leu322= (NM_001014834.3, NM_001014835.2).
Identifiers: ClinVar variation 2649829 (VCV002649829.24), dbSNP rs11559034, ClinGen allele CA9425233.